The following is an entry in ClinVar:

NM_000321.3(RB1):c.2420C>T (p.Ser807Leu)

Gene: RB1 (RB transcriptional corepressor 1; plus strand). Cytogenetic location: 13q14.2.
Variant type: single nucleotide variant.
Coding change: c.2420C>T on transcript NM_000321.3 (MANE Select); coding-DNA position 2420, C replaced by T.
Protein change: p.Ser807Leu; replaces serine 807 with leucine.
Molecular consequence: missense variant.
Genome position (GRCh38, 1-based): chr13:48,465,299, C>T. VCF-style: chr13-48465299-C-T. GRCh37 (hg19) VCF-style: chr13-49039435-C-T.
Other names: c.2420C>T, p.Ser807Leu (NM_001407165.1); short protein forms S807L.
Identifiers: ClinVar variation 1791013 (VCV001791013.6), dbSNP rs2138345919, ClinGen allele CA388167946.
Genomic context (GRCh38, chr13:48,465,299, plus strand): 5'-GAAGCCCTTACAAGTTTCCTAGTTCACCCTTACGGATTCCTGGAGGGAACATCTATATTT[C>T]ACCCCTGAAGAGTCCATATAAAATTTCAGAAGGTCTGCCAACACCAACAAAAATGACTCC-3'
Protein context (NP_000312.2, residues 797-817): LRIPGGNIYI[Ser807Leu]PLKSPYKISE

ClinVar aggregate classification (germline): Uncertain significance. Review status: criteria provided, multiple submitters, no conflicts (2 of 4 stars). 2 submissions from 2 submitters: Uncertain significance (2). Last evaluated 2026-08-19.

Conditions:
Hereditary cancer-predisposing syndrome. Also called: Hereditary Cancer Syndrome; Hereditary neoplastic syndrome; Neoplastic Syndromes, Hereditary; Tumor predisposition. Identifiers: Orphanet 140162, MedGen C0027672, MeSH D009386, MONDO:0015356.
Retinoblastoma (RB1). Also called: RETINOBLASTOMA, SOMATIC. Identifiers: Orphanet 790, MedGen C0035335, MeSH D012175, MONDO:0008380, OMIM 180200, HP:0009919. Disease mechanism: loss of function. Inheritance: Both sporadic and heritable forms are tested..

Allele frequency attached by ClinVar (database versions not stated): gnomAD exomes below 0.00001.
gnomAD v4.1: 1 of 1,611,302 alleles (0.000062%); highest among the groups gnomAD compares: South Asian, 0.0011%; no homozygotes.

Submissions (2):

Ambry Genetics
Classification: Uncertain significance for Hereditary cancer-predisposing syndrome. Last evaluated: 2026-08-19. Review status: criteria provided, single submitter. Criteria: Ambry Variant Classification Scheme 2023. Collection method: clinical testing. Allele origin: germline.
Comment: The p.S807L variant (also known as c.2420C>T), located in coding exon 23 of the RB1 gene, results from a C to T substitution at nucleotide position 2420. The serine at codon 807 is replaced by leucine, an amino acid with dissimilar properties. This amino acid position is highly conserved in available vertebrate species. In addition, this alteration is predicted to be deleterious by in silico analysis. Based on the available evidence, the clinical significance of this variant remains unclear.

Labcorp Genetics (formerly Invitae), Labcorp
Classification: Uncertain significance for Retinoblastoma. Last evaluated: 2025-03-24. Review status: criteria provided, single submitter. Criteria: Invitae Variant Classification Sherloc (09022015). Collection method: clinical testing. Allele origin: germline.
Comment: This sequence change replaces serine, which is neutral and polar, with leucine, which is neutral and non-polar, at codon 807 of the RB1 protein (p.Ser807Leu). This variant is not present in population databases (gnomAD no frequency). This variant has not been reported in the literature in individuals affected with RB1-related conditions. ClinVar contains an entry for this variant (Variation ID: 1791013). Invitae Evidence Modeling of protein sequence and biophysical properties (such as structural, functional, and spatial information, amino acid conservation, physicochemical variation, residue mobility, and thermodynamic stability) indicates that this missense variant is expected to disrupt RB1 protein function with a positive predictive value of 80%. In summary, the available evidence is currently insufficient to determine the role of this variant in disease. Therefore, it has been classified as a Variant of Uncertain Significance.